The following is an entry in ClinVar:

ClinVar aggregate classification (germline): Likely benign (1 of 4 stars; one submission).

Conditions:
ABCC12-related condition.

Submission:

PreventionGenetics, part of Exact Sciences
Classification: Likely benign for ABCC12-related condition. Last evaluated: 2026-08-07. Review status: criteria provided, single submitter. Criteria: ACMG Guidelines, 2015. Collection method: clinical testing. Allele origin: germline.
Comment: This variant is classified as likely benign based on ACMG/AMP sequence variant interpretation guidelines (Richards et al. 2015 PMID: 25741868, with internal and published modifications).

NM_001393797.1(ABCC12):c.1588-7_1588-5del

Gene: ABCC12 (ATP binding cassette subfamily C member 12; minus strand). Cytogenetic location: 16q12.1.
Variant type: Microsatellite.
Coding change: c.1588-7_1588-5del on transcript NM_001393797.1 (MANE Select); 7 bases into the intron before coding-DNA position 1588 through 5 bases into the intron before coding-DNA position 1588, 3 bases deleted (GTT; older notation c.1588-7_1588-5delGTT).
Molecular consequence: intron variant.
Genome position (GRCh38, 1-based): chr16:48,121,845-48,121,847, AAC deleted on the plus strand (GTT on the coding strand, the reverse complement: ABCC12 is on the minus strand); deleting any 3 consecutive bases within chr16:48,121,845-48,121,852 gives the same sequence; the c. name uses the placement nearest the transcript's 3' end. VCF-style (leftmost placement, unchanged base first): chr16-48121844-GAAC-G. GRCh37 (hg19) VCF-style: chr16-48155755-GAAC-G.
Other names: c.1588-7_1588-5del (NM_033226.3, NM_001392028.1).
Identifiers: ClinVar variation 4983673 (VCV004983673.1).